The following is an entry in ClinVar:

ClinVar aggregate classification (germline): Benign/Likely benign. Review status: criteria provided, multiple submitters, no conflicts (2 of 4 stars). 9 submissions from 9 submitters: Benign (3); Likely benign (2). 4 of the submissions do not count toward it. Last evaluated 2026-05-01.

Conditions:
Short stature-optic atrophy-Pelger-Huët anomaly syndrome. Also called: Short stature, optic nerve atrophy, and Pelger-Huet anomaly; Short stature-optic atrophy-Pelger-HuC+t anomaly syndrome. Identifiers: Orphanet 391677, MedGen C3541319, MONDO:0013889, OMIM 614800.
Infantile liver failure syndrome 2 (ILFS2). Identifiers: MedGen C3809651, MONDO:0014659, OMIM 616483.
NBAS-related disorder. Also called: NBAS-related condition.

Allele frequency attached by ClinVar (database versions not stated): 1000 Genomes Project 0.00120; TOPMed 0.00130; 1000 Genomes Project 30x 0.00141; gnomAD 0.00160 and 0.00162; ESP Exome Variant Server 0.00169; gnomAD exomes 0.00181 and 0.00192; ExAC 0.00204.
gnomAD v4.1: 3,002 of 1,612,044 alleles (0.19%); highest among the groups gnomAD compares: Non-Finnish European, 0.21%; 7 homozygotes.

Submissions (9):

CeGaT Center for Human Genetics Tuebingen
Classification: Benign. Last evaluated: 2026-05-01. Review status: criteria provided, single submitter. Criteria: CeGaT Center For Human Genetics Tuebingen Variant Classification Criteria Version 2. Collection method: clinical testing. Allele origin: germline. Affected: yes. Observed: 8 variant alleles.
Comment: NBAS: BP4, BS1, BS2

Labcorp Genetics (formerly Invitae), Labcorp
Classification: Benign. Last evaluated: 2026-02-04. Review status: criteria provided, single submitter. Criteria: Invitae Variant Classification Sherloc (09022015). Collection method: clinical testing. Allele origin: germline.

Blueprint Genetics
Classification: Likely benign. Last evaluated: 2024-11-13. Review status: criteria provided, single submitter. Criteria: ACMG Guidelines, 2015. Collection method: clinical testing. Allele origin: germline.

Women's Health and Genetics/Laboratory Corporation of America, LabCorp
Classification: Benign. Last evaluated: 2022-07-01. Review status: criteria provided, single submitter. Criteria: LabCorp Variant Classification Summary - May 2015. Collection method: clinical testing. Allele origin: germline.
Comment: Variant summary: NBAS c.3928A>G (p.Thr1310Ala) results in a non-conservative amino acid change located in the Sec39 domain (IPR013244) of the encoded protein sequence. Four of five in-silico tools predict a benign effect of the variant on protein function. The variant allele was found at a frequency of 0.0018 in 251100 control chromosomes, predominantly at a frequency of 0.0027 within the Non-Finnish European subpopulation in the gnomAD database. The observed variant frequency within Non-Finnish European control individuals in the gnomAD database is approximately 2.4 fold of the estimated maximal expected allele frequency for a pathogenic variant in NBAS causing Liver Failure Acute Infantile, Type 2 phenotype (0.0011), strongly suggesting that the variant is a benign polymorphism found primarily in populations of Non-Finnish European origin. To our knowledge, no experimental evidence demonstrating its impact on protein function have been reported. One clinical diagnostic laboratory has submitted clinical-significance assessments for this variant to ClinVar after 2014 without evidence for independent evaluation and classified the variant as benign. Based on the evidence outlined above, the variant was classified as benign.

Fulgent Genetics
Classification: Likely benign for Short stature-optic atrophy-Pelger-Huët anomaly syndrome; Infantile liver failure syndrome 2. Last evaluated: 2022-04-06. Review status: criteria provided, single submitter. Criteria: ACMG Guidelines, 2015. Collection method: clinical testing. Allele origin: unknown.

PreventionGenetics, part of Exact Sciences
Classification: Likely benign for NBAS-related condition. Last evaluated: 2024-02-01. Review status: no assertion criteria provided. Collection method: clinical testing. Allele origin: germline. Not counted in ClinVar's aggregate classification.
Comment: This variant is classified as likely benign based on ACMG/AMP sequence variant interpretation guidelines (Richards et al. 2015 PMID: 25741868, with internal and published modifications).

Clinical Genetics DNA and cytogenetics Diagnostics Lab, Erasmus MC, Erasmus Medical Center
Classification: Likely benign. Review status: no assertion criteria provided. Collection method: clinical testing. Allele origin: germline. Affected: yes. Study: VKGL Data-share Consensus. Not counted in ClinVar's aggregate classification.

Diagnostic Laboratory, Department of Genetics, University Medical Center Groningen
Classification: Likely benign. Review status: no assertion criteria provided. Collection method: clinical testing. Allele origin: germline. Affected: yes. Study: VKGL Data-share Consensus. Not counted in ClinVar's aggregate classification.

Genome Diagnostics Laboratory, University Medical Center Utrecht
Classification: Likely benign. Review status: no assertion criteria provided. Collection method: clinical testing. Allele origin: germline. Affected: yes. Study: VKGL Data-share Consensus. Not counted in ClinVar's aggregate classification.

NM_015909.4(NBAS):c.3928A>G (p.Thr1310Ala)

Gene: NBAS (NBAS subunit of NRZ tethering complex; minus strand). Cytogenetic location: 2p24.3.
Variant type: single nucleotide variant.
Coding change: c.3928A>G on transcript NM_015909.4 (MANE Select); coding-DNA position 3928, A replaced by G.
Protein change: p.Thr1310Ala; replaces threonine 1310 with alanine.
Molecular consequence: missense variant. On other transcripts: non-coding transcript variant (1).
Genome position (GRCh38, 1-based): chr2:15,356,306, T>C on the plus strand (A>G on the coding strand, the complement: NBAS is on the minus strand). VCF-style: chr2-15356306-T-C. GRCh37 (hg19) VCF-style: chr2-15496430-T-C.
Other names: short protein forms T1310A.
Identifiers: ClinVar variation 788723 (VCV000788723.42), dbSNP rs35489395, ClinGen allele CA1535858.